The following is an entry in ClinVar:

NM_001458.5(FLNC):c.4737+5G>A

Gene: FLNC (filamin C; plus strand). Cytogenetic location: 7q32.1.
Variant type: single nucleotide variant.
Coding change: c.4737+5G>A on transcript NM_001458.5 (MANE Select); 5 bases into the intron after coding-DNA position 4737, G replaced by A.
Molecular consequence: intron variant.
Genome position (GRCh38, 1-based): chr7:128,848,722, G>A. VCF-style: chr7-128848722-G-A. GRCh37 (hg19) VCF-style: chr7-128488776-G-A.
Other names: c.4737+5G>A (NM_001127487.2).
Identifiers: ClinVar variation 934656 (VCV000934656.8), dbSNP rs1808673722, ClinGen allele CA1139660256.

ClinVar aggregate classification (germline): Uncertain significance (1 of 4 stars; one submission).

Conditions:
Hypertrophic cardiomyopathy 26. Also called: Cardiomyopathy, familial hypertrophic, 26. Identifiers: Orphanet 75249, MedGen C4310749, MONDO:0014883, OMIM 617047.
Distal myopathy with posterior leg and anterior hand involvement. Also called: WILLIAMS DISTAL MYOPATHY. Identifiers: Orphanet 63273, MedGen C3279722, MONDO:0013550, OMIM 614065.
Myofibrillar myopathy 5. Also called: Filaminopathy (type); FILAMINOPATHY, AUTOSOMAL DOMINANT. Identifiers: Orphanet 171445, MedGen C1836050, MONDO:0012289, OMIM 609524.

Allele frequency attached by ClinVar (database versions not stated): gnomAD exomes below 0.00001.
gnomAD v4.1: 2 of 1,613,846 alleles (0.00012%); highest among the groups gnomAD compares: Non-Finnish European, 0.00017%; no homozygotes.

Submission:

Labcorp Genetics (formerly Invitae), Labcorp
Classification: Uncertain significance for Distal myopathy with posterior leg and anterior hand involvement; Myofibrillar myopathy 5; Hypertrophic cardiomyopathy 26. Last evaluated: 2024-09-12. Review status: criteria provided, single submitter. Criteria: Invitae Variant Classification Sherloc (09022015). Collection method: clinical testing. Allele origin: germline.
Comment: This sequence change falls in intron 27 of the FLNC gene. It does not directly change the encoded amino acid sequence of the FLNC protein. It affects a nucleotide within the consensus splice site. This variant is not present in population databases (gnomAD no frequency). This variant has been observed in individual(s) with cardiomyopathy and/or sudden cardiac death (PMID: 34587765). ClinVar contains an entry for this variant (Variation ID: 934656). Variants that disrupt the consensus splice site are a relatively common cause of aberrant splicing (PMID: 17576681, 9536098). Algorithms developed to predict the effect of sequence changes on RNA splicing suggest that this variant may disrupt the consensus splice site. In summary, the available evidence is currently insufficient to determine the role of this variant in disease. Therefore, it has been classified as a Variant of Uncertain Significance.

Literature cited by the submitters: PubMed 34587765; PubMed 17576681; PubMed 9536098.